The following is an entry in ClinVar:

NM_000074.3(CD40LG):c.138del (p.His47fs)

Gene: CD40LG (CD40 ligand; plus strand). Cytogenetic location: Xq26.3.
Variant type: Deletion.
Coding change: c.138del on transcript NM_000074.3 (MANE Select); coding-DNA position 138, one base deleted (T; older notation c.138delT).
Protein change: p.His47fs; shifts the reading frame from histidine 47.
Molecular consequence: frameshift variant.
Genome position (GRCh38, 1-based): chrX:136,648,386, T deleted; the last of 2 consecutive T bases (chrX:136,648,385-136,648,386); deleting either gives the same sequence. VCF-style (leftmost placement, unchanged base first): chrX-136648384-CT-C. GRCh37 (hg19) VCF-style: chrX-135730543-CT-C.
Other names: short protein forms H47fs.
Identifiers: ClinVar variation 2760510 (VCV002760510.3), dbSNP rs2522103909, ClinGen allele CA2697544763.

ClinVar aggregate classification (germline): Pathogenic (1 of 4 stars; one submission).

Conditions:
Hyper-IgM syndrome type 1. Also called: CD40 Ligand Deficiency; X-linked hyper-IgM syndrome; Immunodeficiency, X-linked, with hyper-IgM; Hyper-IgM Immunodeficiency Syndrome, Type 1. Identifiers: Orphanet 101088, MedGen C0398689, MONDO:0010626, OMIM 308230.

Submission:

Labcorp Genetics (formerly Invitae), Labcorp
Classification: Pathogenic for Hyper-IgM syndrome type 1. Last evaluated: 2025-12-17. Review status: criteria provided, single submitter. Criteria: Invitae Variant Classification Sherloc (09022015). Collection method: clinical testing. Allele origin: germline.
Comment: This sequence change creates a premature translational stop signal (p.His47Ilefs*7) in the CD40LG gene. It is expected to result in an absent or disrupted protein product. Loss-of-function variants in CD40LG are known to be pathogenic (PMID: 15319456). This variant is not present in population databases (gnomAD no frequency). This variant has not been reported in the literature in individuals affected with CD40LG-related conditions. ClinVar contains an entry for this variant (Variation ID: 2760510). For these reasons, this variant has been classified as Pathogenic.

Literature cited by the submitters: PubMed 15319456.